The following is an entry in ClinVar:

ClinVar aggregate classification (germline): Benign. Review status: criteria provided, single submitter (1 of 4 stars). 2 submissions from 1 submitter: Benign (2). Last evaluated 2018-01-12.

Conditions:
Tuberous sclerosis 1 (TSC1). Identifiers: Orphanet 805, MedGen C1854465, MONDO:0008612, OMIM 191100.
Isolated focal cortical dysplasia type II (FCORD2). Also called: CORTICAL DYSPLASIA OF TAYLOR; Focal cortical dysplasia type II. Identifiers: Orphanet 268994, MedGen C1846385, MONDO:0011818, OMIM 607341, HP:0032051.

Allele frequency attached by ClinVar (database versions not stated): gnomAD exomes 0.00129; gnomAD 0.00372 and 0.00396; 1000 Genomes Project 0.00399; TOPMed 0.00399; 1000 Genomes Project 30x 0.00390.
gnomAD v4.1: 666 of 233,290 alleles (0.29%); highest among the groups gnomAD compares: African/African-American, 1.2%; 6 homozygotes.

Submissions (2):

Illumina Laboratory Services, Illumina
Classification: Benign for Isolated focal cortical dysplasia type II. Last evaluated: 2018-01-12. Review status: criteria provided, single submitter. Criteria: ICSL Variant Classification Criteria 13 December 2019. Collection method: clinical testing. Allele origin: germline.
Comment: This variant was observed in the ICSL laboratory as part of a predisposition screen in an ostensibly healthy population. It had not been previously curated by ICSL or reported in the Human Gene Mutation Database (HGMD: prior to June 1st, 2018), and was therefore a candidate for classification through an automated scoring system. Utilizing variant allele frequency, disease prevalence and penetrance estimates, and inheritance mode, an automated score was calculated to assess if this variant is too frequent to cause the disease. Based on the score and internal cut-off values, a variant classified as benign is not then subjected to further curation. The score for this variant resulted in a classification of benign for this disease.

Illumina Laboratory Services, Illumina
Classification: Benign for Tuberous sclerosis 1. Last evaluated: 2018-01-12. Review status: criteria provided, single submitter. Criteria: ICSL Variant Classification Criteria 13 December 2019. Collection method: clinical testing. Allele origin: germline.
Comment: the same text as in the submission from Illumina Laboratory Services, Illumina above.

NM_000368.5(TSC1):c.*2461G>A

Gene: TSC1 (TSC complex subunit 1; minus strand). Cytogenetic location: 9q34.13.
Variant type: single nucleotide variant.
Coding change: c.*2461G>A on transcript NM_000368.5 (MANE Select); 2461 bases downstream of the stop codon, G replaced by A.
Molecular consequence: 3 prime UTR variant.
Genome position (GRCh38, 1-based): chr9:132,893,774, C>T on the plus strand (G>A on the coding strand, the complement: TSC1 is on the minus strand). VCF-style: chr9-132893774-C-T. GRCh37 (hg19) VCF-style: chr9-135769161-C-T.
Other names: c.*2461G>A (NM_001162426.2, NM_001162427.2, NM_001362177.2).
Identifiers: ClinVar variation 365452 (VCV000365452.5), dbSNP rs73552806, ClinGen allele CA10632683.